The following is an entry in ClinVar:

ClinVar aggregate classification (germline): Likely benign. Review status: criteria provided, multiple submitters, no conflicts (2 of 4 stars). 2 submissions from 2 submitters: Likely benign (2). Last evaluated 2024-11-22.

Conditions:
TRRAP-related disorder. Also called: TRRAP-related condition.

Allele frequency attached by ClinVar (database versions not stated): gnomAD 0.00001; TOPMed 0.00002.
gnomAD v4.1: 9 of 1,613,984 alleles (0.00056%); highest among the groups gnomAD compares: East Asian, 0.0022%; no homozygotes.

Submissions (2):

PreventionGenetics, part of Exact Sciences
Classification: Likely benign for TRRAP-related condition. Last evaluated: 2024-11-22. Review status: criteria provided, single submitter. Criteria: ACMG Guidelines, 2015. Collection method: clinical testing. Allele origin: germline.
Comment: This variant is classified as likely benign based on ACMG/AMP sequence variant interpretation guidelines (Richards et al. 2015 PMID: 25741868, with internal and published modifications).

Labcorp Genetics (formerly Invitae), Labcorp
Classification: Likely benign. Last evaluated: 2024-10-16. Review status: criteria provided, single submitter. Criteria: Invitae Variant Classification Sherloc (09022015). Collection method: clinical testing. Allele origin: germline.

NM_001375524.1(TRRAP):c.3627G>A (p.Thr1209=)

Gene: TRRAP (transformation/transcription domain associated protein; plus strand). Cytogenetic location: 7q22.1.
Variant type: single nucleotide variant.
Coding change: c.3627G>A on transcript NM_001375524.1 (MANE Select); coding-DNA position 3627, G replaced by A.
Protein change: p.Thr1209=; no amino-acid change (threonine 1209 retained).
Molecular consequence: synonymous variant.
Genome position (GRCh38, 1-based): chr7:98,931,440, G>A. VCF-style: chr7-98931440-G-A. GRCh37 (hg19) VCF-style: chr7-98529063-G-A.
Other names: c.3627G>A (NM_003496.3); c.3627G>A, p.Thr1209= (NM_001244580.2, NM_003496.4).
Identifiers: ClinVar variation 3020187 (VCV003020187.4), dbSNP rs1277397652, ClinGen allele CA456658823.